The following is an entry in ClinVar:

NM_023110.3(FGFR1):c.64A>G (p.Arg22Gly)

Gene: FGFR1 (fibroblast growth factor receptor 1; minus strand). Cytogenetic location: 8p11.23.
Variant type: single nucleotide variant.
Coding change: c.64A>G on transcript NM_023110.3 (MANE Select); coding-DNA position 64, A replaced by G.
Protein change: p.Arg22Gly; replaces arginine 22 with glycine.
Molecular consequence: missense variant. On other transcripts: 5 prime UTR variant (1).
Genome position (GRCh38, 1-based): chr8:38,457,383, T>C on the plus strand (A>G on the coding strand, the complement: FGFR1 is on the minus strand). VCF-style: chr8-38457383-T-C. GRCh37 (hg19) VCF-style: chr8-38314901-T-C.
Other names: c.64A>G, p.Arg22Gly (NM_000604.2, NM_001174063.2, NM_001174065.2 and 9 more transcripts); c.-29A>G (NM_001174064.2); c.163A>G, p.Arg55Gly (NM_001174067.2); short protein forms R55G, R22G.
Identifiers: ClinVar variation 2945425 (VCV002945425.3), dbSNP rs148343099, ClinGen allele CA4718945.

ClinVar aggregate classification (germline): Uncertain significance (1 of 4 stars; one submission).

Conditions:
Hypogonadotropic hypogonadism 2 with or without anosmia (HH2). Also called: FGFR1-Related GnRH Deficiency (Kallmann Syndrome 2); HYPOGONADOTROPIC HYPOGONADISM 2 WITH OR WITHOUT ANOSMIA, SUSCEPTIBILITY TO; HYPOGONADOTROPIC HYPOGONADISM 2 WITHOUT ANOSMIA, SUSCEPTIBILITY TO; HYPOGONADOTROPIC HYPOGONADISM 2 WITHOUT ANOSMIA. Identifiers: Orphanet 478, MedGen C1563720, MONDO:0007844, OMIM 147950. Disease mechanism: loss of function.
Pfeiffer syndrome (ACS5). Also called: ACS V. Identifiers: Orphanet 710, MedGen C0220658, MONDO:0007043, OMIM 101600.

Allele frequency attached by ClinVar (database versions not stated): gnomAD exomes below 0.00001; ExAC 0.00001; gnomAD 0.00001; TOPMed 0.00002; ESP Exome Variant Server 0.00008.
gnomAD v4.1: 3 of 1,613,710 alleles (0.00019%); highest among the groups gnomAD compares: Middle Eastern, 0.016%; no homozygotes.

Submission:

Labcorp Genetics (formerly Invitae), Labcorp
Classification: Uncertain significance for Pfeiffer syndrome; Hypogonadotropic hypogonadism 2 with or without anosmia. Last evaluated: 2024-11-30. Review status: criteria provided, single submitter. Criteria: Invitae Variant Classification Sherloc (09022015). Collection method: clinical testing. Allele origin: germline.
Comment: This sequence change replaces arginine, which is basic and polar, with glycine, which is neutral and non-polar, at codon 22 of the FGFR1 protein (p.Arg22Gly). This variant is not present in population databases (gnomAD no frequency). This variant has not been reported in the literature in individuals affected with FGFR1-related conditions. ClinVar contains an entry for this variant (Variation ID: 2945425). Invitae Evidence Modeling of protein sequence and biophysical properties (such as structural, functional, and spatial information, amino acid conservation, physicochemical variation, residue mobility, and thermodynamic stability) has been performed for this missense variant. However, the output from this modeling did not meet the statistical confidence thresholds required to predict the impact of this variant on FGFR1 protein function. In summary, the available evidence is currently insufficient to determine the role of this variant in disease. Therefore, it has been classified as a Variant of Uncertain Significance.